The following is an entry in ClinVar:

ClinVar aggregate classification (germline): Uncertain significance (1 of 4 stars; one submission).

Conditions:
MEGF8-related Carpenter syndrome. Also called: Carpenter syndrome 2. Identifiers: Orphanet 65759, MedGen C3554247, MONDO:0013998, OMIM 614976.

Allele frequency attached by ClinVar (database versions not stated): gnomAD exomes below 0.00001; TOPMed below 0.00001; ExAC 0.00001.
gnomAD v4.1: 2 of 1,608,830 alleles (0.00012%); highest among the groups gnomAD compares: Non-Finnish European, 0.000085%; no homozygotes.

Submission:

Labcorp Genetics (formerly Invitae), Labcorp
Classification: Uncertain significance for MEGF8-related Carpenter syndrome. Last evaluated: 2019-11-15. Review status: criteria provided, single submitter. Criteria: Invitae Variant Classification Sherloc (09022015). Collection method: clinical testing. Allele origin: germline.
Comment: In summary, the available evidence is currently insufficient to determine the role of this variant in disease. Therefore, it has been classified as a Variant of Uncertain Significance. This sequence change replaces arginine with cysteine at codon 2400 of the MEGF8 protein (p.Arg2400Cys). The arginine residue is moderately conserved and there is a large physicochemical difference between arginine and cysteine. This variant is present in population databases (rs769273382, ExAC 0.002%). This variant has not been reported in the literature in individuals with MEGF8-related conditions. Algorithms developed to predict the effect of missense changes on protein structure and function are either unavailable or do not agree on the potential impact of this missense change (SIFT: "Deleterious"; PolyPhen-2: "Probably Damaging"; Align-GVGD: "Class C0").

NM_001271938.2(MEGF8):c.7399C>T (p.Arg2467Cys)

Gene: MEGF8 (multiple EGF like domains 8; plus strand). Cytogenetic location: 19q13.2.
Variant type: single nucleotide variant.
Coding change: c.7399C>T on transcript NM_001271938.2 (MANE Select); coding-DNA position 7399, C replaced by T.
Protein change: p.Arg2467Cys; replaces arginine 2467 with cysteine.
Molecular consequence: missense variant.
Genome position (GRCh38, 1-based): chr19:42,375,636, C>T. VCF-style: chr19-42375636-C-T. GRCh37 (hg19) VCF-style: chr19-42879788-C-T.
Other names: c.7198C>T, p.Arg2400Cys (NM_001410.3); short protein forms R2400C, R2467C.
Identifiers: ClinVar variation 970018 (VCV000970018.9), dbSNP rs769273382, ClinGen allele CA9476161.